The following is an entry in ClinVar:

NC_000004.12:g.(?_127965052)_(127965153_?)del

Gene: MFSD8 (major facilitator superfamily domain containing 8; minus strand). Cytogenetic location: 4q28.2.
Variant type: Deletion.
Identifiers: ClinVar variation 831882 (VCV000831882.1).

ClinVar aggregate classification (germline): Pathogenic (1 of 4 stars; one submission).

Conditions:
Neuronal ceroid lipofuscinosis 7 (CLN7). Also called: MFSD8-Related Neuronal Ceroid-Lipofuscinosis. Identifiers: Orphanet 168491, Orphanet 228366, MedGen C1838571, MONDO:0012588, OMIM 610951.

Submission:

Labcorp Genetics (formerly Invitae), Labcorp
Classification: Pathogenic for Ceroid lipofuscinosis neuronal 7. Last evaluated: 2019-04-11. Review status: criteria provided, single submitter. Criteria: Invitae Variant Classification Sherloc (09022015). Collection method: clinical testing. Allele origin: germline.
Comment: This variant is a gross deletion of the genomic region encompassing exon 2 of the MFSD8 gene, which includes the initiator codon This is expected to result in an absent or disrupted protein product. This variant has not been reported in the literature in individuals with MFSD8-related conditions. Loss-of-function variants in MFSD8 are known to be pathogenic (PMID: 19177532, 25227500, 28586915). For these reasons, this variant has been classified as Pathogenic.